The following is an entry in ClinVar:

NM_014441.3(SIGLEC9):c.18G>A (p.Leu6=)

Gene: SIGLEC9 (sialic acid binding Ig like lectin 9; plus strand). Cytogenetic location: 19q13.41.
Variant type: single nucleotide variant.
Coding change: c.18G>A on transcript NM_014441.3 (MANE Select); coding-DNA position 18, G replaced by A.
Protein change: p.Leu6=; no amino-acid change (leucine 6 retained).
Molecular consequence: synonymous variant.
Genome position (GRCh38, 1-based): chr19:51,124,992, G>A. VCF-style: chr19-51124992-G-A. GRCh37 (hg19) VCF-style: chr19-51628249-G-A.
Other names: c.18G>A, p.Leu6= (NM_001198558.1).
Identifiers: ClinVar variation 2650367 (VCV002650367.24), dbSNP rs200563478, ClinGen allele CA9608423.

ClinVar aggregate classification (germline): Likely benign (1 of 4 stars; one submission).

Allele frequency attached by ClinVar (database versions not stated): gnomAD 0.00012; ExAC 0.00018; TOPMed 0.00020.

Submission:

CeGaT Center for Human Genetics Tuebingen
Classification: Likely benign. Last evaluated: 2023-04-01. Review status: criteria provided, single submitter. Criteria: CeGaT Center For Human Genetics Tuebingen Variant Classification Criteria Version 2. Collection method: clinical testing. Allele origin: germline. Affected: yes. Observed: 1 variant allele.
Comment: SIGLEC9: BP4, BP7